The following is an entry in ClinVar:

NM_024757.5(EHMT1):c.1170+3A>G

Gene: EHMT1 (euchromatic histone lysine methyltransferase 1; plus strand). Cytogenetic location: 9q34.3.
Variant type: single nucleotide variant.
Coding change: c.1170+3A>G on transcript NM_024757.5 (MANE Select); 3 bases into the intron after coding-DNA position 1170, A replaced by G.
Molecular consequence: intron variant.
Genome position (GRCh38, 1-based): chr9:137,744,093, A>G. VCF-style: chr9-137744093-A-G. GRCh37 (hg19) VCF-style: chr9-140638545-A-G.
Other names: c.1149+3A>G (NM_001354263.2); c.1077+3A>G (NM_001354259.2, NM_001354612.2); c.1170+3A>G (NM_001145527.2, NM_001354611.2).
Identifiers: ClinVar variation 859789 (VCV000859789.9), dbSNP rs767691870, ClinGen allele CA5374516.

ClinVar aggregate classification (germline): Uncertain significance (1 of 4 stars; one submission).

Conditions:
Kleefstra syndrome 1 (KLEFS1). Identifiers: Orphanet 261494, MedGen C0795833, MONDO:0027407, OMIM 610253.

Allele frequency attached by ClinVar (database versions not stated): TOPMed 0.00001; ExAC 0.00001; gnomAD exomes 0.00001.
gnomAD v4.1: 23 of 1,613,976 alleles (0.0014%); highest among the groups gnomAD compares: Non-Finnish European, 0.0017%; no homozygotes.

Submission:

Labcorp Genetics (formerly Invitae), Labcorp
Classification: Uncertain significance for Kleefstra syndrome 1. Last evaluated: 2025-10-29. Review status: criteria provided, single submitter. Criteria: Invitae Variant Classification Sherloc (09022015). Collection method: clinical testing. Allele origin: germline.
Comment: This sequence change falls in intron 6 of the EHMT1 gene. It does not directly change the encoded amino acid sequence of the EHMT1 protein. It affects a nucleotide within the consensus splice site. This variant is present in population databases (rs767691870, gnomAD 0.0009%). This variant has not been reported in the literature in individuals affected with EHMT1-related conditions. ClinVar contains an entry for this variant (Variation ID: 859789). Variants that disrupt the consensus splice site are a relatively common cause of aberrant splicing (PMID: 17576681, 9536098). Algorithms developed to predict the effect of sequence changes on RNA splicing suggest that this variant is not likely to affect RNA splicing. In summary, the available evidence is currently insufficient to determine the role of this variant in disease. Therefore, it has been classified as a Variant of Uncertain Significance.

Literature cited by the submitters: PubMed 17576681; PubMed 9536098.